The following is an entry in ClinVar:

NM_000020.3(ACVRL1):c.1323_1324dup (p.Val442fs)

Gene: ACVRL1 (activin A receptor like type 1; plus strand). Cytogenetic location: 12q13.13.
Variant type: Duplication.
Coding change: c.1323_1324dup on transcript NM_000020.3 (MANE Select); coding-DNA positions 1323 to 1324, 2 bases duplicated (GG; older notation c.1323_1324dupGG).
Protein change: p.Val442fs; shifts the reading frame from valine 442.
Molecular consequence: frameshift variant.
Genome position (GRCh38, 1-based): chr12:51,919,061-51,919,062, GG duplicated. VCF-style (leftmost placement, unchanged base first): chr12-51919060-T-TGG. GRCh37 (hg19) VCF-style: chr12-52312844-T-TGG.
Other names: c.1323_1324dupGG (NM_000020.2); c.1323_1324dup, p.Val442fs (NM_001077401.2); short protein forms V442fs.
Identifiers: ClinVar variation 464757 (VCV000464757.1), dbSNP rs1555153830, ClinGen allele CA658656296.

ClinVar aggregate classification (germline): Pathogenic (1 of 4 stars; one submission).

Conditions:
Telangiectasia, hereditary hemorrhagic, type 2 (HHT2). Also called: ACVRL1-Related Hereditary Hemorrhagic Telangiectasia; Telangiectasia, hereditary hemorrhagic, type II. Identifiers: Orphanet 774, MedGen C1838163, MONDO:0010880, OMIM 600376. Disease mechanism: loss of function.

Submission:

Labcorp Genetics (formerly Invitae), Labcorp
Classification: Pathogenic for Telangiectasia, hereditary hemorrhagic, type 2. Last evaluated: 2017-07-31. Review status: criteria provided, single submitter. Criteria: Invitae Variant Classification Sherloc (09022015). Collection method: clinical testing. Allele origin: germline.
Comment: This sequence change results in a premature translational stop signal in the ACVRL1 gene (p.Val442Glyfs*24). While this is not anticipated to result in nonsense mediated decay, it is expected to disrupt the last 62 amino acids of the ACVRL1 protein. This variant is not present in population databases (ExAC no frequency). This variant has not been reported in the literature in individuals with ACVRL1-related disease. Algorithms developed to predict the effect of sequence changes on RNA splicing suggest that this variant may create or strengthen a splice site, but this prediction has not been confirmed by published transcriptional studies. A different truncations downstream of this variant (p.Arg479*) has been determined to be pathogenic (PMID: 15024723, 16540754, 23722869). This suggests that deletion of this region of the ACVRL1 protein is causative of disease. For these reasons, this variant has been classified as Pathogenic.